The following is an entry in ClinVar:

ClinVar aggregate classification (germline): Uncertain significance (1 of 4 stars; one submission).

Conditions:
Inborn genetic diseases. Identifiers: MedGen C0950123, MeSH D030342.

Submission:

Ambry Genetics
Classification: Uncertain significance for Inborn genetic diseases. Last evaluated: 2026-01-18. Review status: criteria provided, single submitter. Criteria: Ambry Variant Classification Scheme 2023. Collection method: clinical testing. Allele origin: germline.
Comment: The p.F336L variant (also known as c.1006T>C), located in coding exon 8 of the RUNX1 gene, results from a T to C substitution at nucleotide position 1006. The phenylalanine at codon 336 is replaced by leucine, an amino acid with highly similar properties. This amino acid position is conserved. In addition, the in silico prediction for this alteration is inconclusive. Based on the available evidence, the clinical significance of this variant remains unclear.

NM_001754.5(RUNX1):c.1006T>C (p.Phe336Leu)

Gene: RUNX1 (RUNX family transcription factor 1; minus strand). Cytogenetic location: 21q22.12.
Variant type: single nucleotide variant.
Coding change: c.1006T>C on transcript NM_001754.5 (MANE Select); coding-DNA position 1006, T replaced by C.
Protein change: p.Phe336Leu; replaces phenylalanine 336 with leucine.
Molecular consequence: missense variant.
Genome position (GRCh38, 1-based): chr21:34,792,572, A>G on the plus strand (T>C on the coding strand, the complement: RUNX1 is on the minus strand). VCF-style: chr21-34792572-A-G. GRCh37 (hg19) VCF-style: chr21-36164869-A-G.
Other names: c.925T>C, p.Phe309Leu (NM_001001890.3); short protein forms F309L, F336L.
Identifiers: ClinVar variation 4825281 (VCV004825281.1).